The following is an entry in ClinVar:

ClinVar aggregate classification (germline): Uncertain significance. Review status: criteria provided, multiple submitters, no conflicts (2 of 4 stars). 2 submissions from 2 submitters: Uncertain significance (2). Last evaluated 2026-08-15.

Conditions:
Tuberous sclerosis 1 (TSC1). Identifiers: Orphanet 805, MedGen C1854465, MONDO:0008612, OMIM 191100.
Hereditary cancer-predisposing syndrome. Also called: Hereditary Cancer Syndrome; Hereditary neoplastic syndrome; Neoplastic Syndromes, Hereditary; Tumor predisposition. Identifiers: Orphanet 140162, MedGen C0027672, MeSH D009386, MONDO:0015356.

Submissions (2):

Ambry Genetics
Classification: Uncertain significance for Hereditary cancer-predisposing syndrome. Last evaluated: 2026-08-15. Review status: criteria provided, single submitter. Criteria: Ambry Variant Classification Scheme 2023. Collection method: clinical testing. Allele origin: germline.
Comment: The p.L978F variant (also known as c.2932C>T), located in coding exon 20 of the TSC1 gene, results from a C to T substitution at nucleotide position 2932. The leucine at codon 978 is replaced by phenylalanine, an amino acid with highly similar properties. This amino acid position is conserved. In addition, this alteration is predicted to be tolerated by in silico analysis. Based on the available evidence, the clinical significance of this variant remains unclear.

Labcorp Genetics (formerly Invitae), Labcorp
Classification: Uncertain significance for Tuberous sclerosis 1. Last evaluated: 2024-01-20. Review status: criteria provided, single submitter. Criteria: Invitae Variant Classification Sherloc (09022015). Collection method: clinical testing. Allele origin: germline.
Comment: This sequence change replaces leucine, which is neutral and non-polar, with phenylalanine, which is neutral and non-polar, at codon 978 of the TSC1 protein (p.Leu978Phe). This variant is not present in population databases (gnomAD no frequency). This variant has not been reported in the literature in individuals affected with TSC1-related conditions. Advanced modeling of protein sequence and biophysical properties (such as structural, functional, and spatial information, amino acid conservation, physicochemical variation, residue mobility, and thermodynamic stability) performed at Invitae indicates that this missense variant is not expected to disrupt TSC1 protein function with a negative predictive value of 95%. In summary, the available evidence is currently insufficient to determine the role of this variant in disease. Therefore, it has been classified as a Variant of Uncertain Significance.

NM_000368.5(TSC1):c.2932C>T (p.Leu978Phe)

Gene: TSC1 (TSC complex subunit 1; minus strand). Cytogenetic location: 9q34.13.
Variant type: single nucleotide variant.
Coding change: c.2932C>T on transcript NM_000368.5 (MANE Select); coding-DNA position 2932, C replaced by T.
Protein change: p.Leu978Phe; replaces leucine 978 with phenylalanine.
Molecular consequence: missense variant. On other transcripts: non-coding transcript variant (5).
Genome position (GRCh38, 1-based): chr9:132,897,227, G>A on the plus strand (C>T on the coding strand, the complement: TSC1 is on the minus strand). VCF-style: chr9-132897227-G-A. GRCh37 (hg19) VCF-style: chr9-135772614-G-A.
Other names: c.2929C>T, p.Leu977Phe (NM_001406600.1, NM_001162426.2, NM_001406597.1 and 2 more transcripts); c.2917C>T, p.Leu973Phe (NM_001406601.1, NM_001406602.1); c.2914C>T, p.Leu972Phe (NM_001406603.1, NM_001406604.1); c.2890C>T, p.Leu964Phe (NM_001406605.1, NM_001406606.1, NM_001406607.1); c.2887C>T, p.Leu963Phe (NM_001406608.1, NM_001406609.1); c.2569C>T, p.Leu857Phe (NM_001406619.1, NM_001362177.2, NM_001406614.1 and 4 more transcripts); c.2566C>T, p.Leu856Phe (NM_001406620.1, NM_001406621.1, NM_001406622.1 and 1 more transcripts); c.2527C>T, p.Leu843Phe (NM_001406624.1); and 8 more; short protein forms L856F, L964F, L660F, L661F, L843F, L912F, L973F, L978F.
Identifiers: ClinVar variation 2772511 (VCV002772511.4), dbSNP rs397514859, ClinGen allele CA375368435.